The following is an entry in ClinVar:

ClinVar aggregate classification (germline): Uncertain significance (1 of 4 stars; one submission).

Conditions:
Inborn genetic diseases. Identifiers: MedGen C0950123, MeSH D030342.

Submission:

Ambry Genetics
Classification: Uncertain significance for Inborn genetic diseases. Last evaluated: 2026-05-24. Review status: criteria provided, single submitter. Criteria: Ambry Variant Classification Scheme 2023. Collection method: clinical testing. Allele origin: germline.
Comment: The p.D584V variant (also known as c.1751A>T), located in coding exon 8 of the MECOM gene, results from an A to T substitution at nucleotide position 1751. The aspartic acid at codon 584 is replaced by valine, an amino acid with highly dissimilar properties. This amino acid position is conserved. In addition, the in silico prediction for this alteration is inconclusive. Based on the available evidence, the clinical significance of this variant remains unclear.

NM_004991.4(MECOM):c.1751A>T (p.Asp584Val)

Gene: MECOM (MDS1 and EVI1 complex locus; minus strand). Cytogenetic location: 3q26.2.
Variant type: single nucleotide variant.
Coding change: c.1751A>T on transcript NM_004991.4 (MANE Select); coding-DNA position 1751, A replaced by T.
Protein change: p.Asp584Val; replaces aspartic acid 584 with valine.
Molecular consequence: missense variant. On other transcripts: intron variant (2).
Genome position (GRCh38, 1-based): chr3:169,116,121, T>A on the plus strand (A>T on the coding strand, the complement: MECOM is on the minus strand). VCF-style: chr3-169116121-T-A. GRCh37 (hg19) VCF-style: chr3-168833909-T-A.
Other names: c.1382A>T, p.Asp461Val (NM_001105077.4); c.1187A>T, p.Asp396Val (NM_001105078.4, NM_001164000.2, NM_001205194.2 and 4 more transcripts); c.1190A>T, p.Asp397Val (NM_001163999.2, NM_001366467.2, NM_001366468.2 and 1 more transcripts); c.1751A>T, p.Asp584Val (NM_001366466.2); c.1133-354A>T (NM_001366473.2); c.569-354A>T (NM_001366474.2); short protein forms D396V, D397V, D461V, D584V.
Identifiers: ClinVar variation 4859798 (VCV004859798.1).
Genomic context (GRCh38, chr3:169,116,121, plus strand): 5'-TCACTTTCCAGATCAGAGCCCGAGGTTGTTTCCAGGTCACTGCCACTTGGTGTACTGACA[T>A]CATCAAGGTCACTACTCTCTGACTGGTCACTGATTTTCTCAAAGGGCCTCTCTTCAGAGG-3'
Protein context (NP_004982.2, residues 574-594): SDQSESSDLD[Asp584Val]VSTPSGSDLE